The following is an entry in ClinVar:

NM_000208.4(INSR):c.3143G>A (p.Gly1048Asp)

Gene: INSR (insulin receptor; minus strand). Cytogenetic location: 19p13.2.
Variant type: single nucleotide variant.
Coding change: c.3143G>A on transcript NM_000208.4 (MANE Select); coding-DNA position 3143, G replaced by A.
Protein change: p.Gly1048Asp; replaces glycine 1048 with aspartic acid.
Molecular consequence: missense variant.
Genome position (GRCh38, 1-based): chr19:7,125,398, C>T on the plus strand (G>A on the coding strand, the complement: INSR is on the minus strand). VCF-style: chr19-7125398-C-T. GRCh37 (hg19) VCF-style: chr19-7125409-C-T.
Other names: c.3107G>A, p.Gly1036Asp (NM_001079817.3); short protein forms G1048D, G1036D.
Identifiers: ClinVar variation 631539 (VCV000631539.9), dbSNP rs200921389, ClinGen allele CA9135351.

ClinVar aggregate classification (germline): Conflicting classifications of pathogenicity. Review status: criteria provided, conflicting classifications (1 of 4 stars). 5 submissions from 4 submitters: Uncertain significance (4); Likely benign (1). Last evaluated 2025-02-04.

Conditions:
Rabson-Mendenhall syndrome. Also called: MENDENHALL SYNDROME; Pineal hyperplasia AND diabetes mellitus syndrome; Pineal Hyperplasia, Insulin-Resistant Diabetes Mellitus, and Somatic Abnormalities. Identifiers: Orphanet 769, MedGen C0271695, MONDO:0009874, OMIM 262190.
Leprechaunism syndrome. Also called: LEPRECHAUNISM; Donohue syndrome. Identifiers: Orphanet 508, MedGen C0265344, MONDO:0009517, OMIM 246200.
Hyperinsulinism due to INSR deficiency. Also called: Hyperinsulinism due to glutamodehydrogenase deficiency. Identifiers: Orphanet 263458, MedGen C1864952, MONDO:0012381, OMIM 609968.
Insulin-resistant diabetes mellitus AND acanthosis nigricans. Also called: DIABETES MELLITUS, INSULIN-RESISTANT, WITH ACANTHOSIS NIGRICANS, TYPE A; INSULIN RECEPTOR, DEFECT IN, WITH INSULIN-RESISTANT DIABETES MELLITUS AND ACANTHOSIS NIGRICANS; IRAN, TYPE A; Insulin-resistance syndrome type A; type A insulin resistance. Identifiers: Orphanet 2297, MedGen C0342278, MONDO:0012520, OMIM 610549.

Allele frequency attached by ClinVar (database versions not stated): gnomAD 0.00005 and 0.00007; TOPMed 0.00006; ExAC 0.00007; gnomAD exomes 0.00008; 1000 Genomes Project 30x 0.00016; 1000 Genomes Project 0.00020.
gnomAD v4.1: 134 of 1,614,158 alleles (0.0083%); highest among the groups gnomAD compares: East Asian, 0.29%; no homozygotes.

Submissions (5):

Women's Health and Genetics/Laboratory Corporation of America, LabCorp
Classification: Uncertain significance. Last evaluated: 2025-02-04. Review status: criteria provided, single submitter. Criteria: LabCorp Variant Classification Summary - May 2015. Collection method: clinical testing. Allele origin: germline.
Comment: Variant summary: INSR c.3143G>A (p.Gly1048Asp) results in a non-conservative amino acid change located in the Tyrosine-protein kinase, catalytic domain (IPR020635) of the encoded protein sequence. Three of five in-silico tools predict a benign effect of the variant on protein function. The variant allele was found at a frequency of 7.6e-05 in 251442 control chromosomes. This frequency is not significantly higher than estimated for a pathogenic variant in INSR causing Hyperinsulinemic Hypoglycemia Familial 5, allowing no conclusion about variant significance. c.3143G>A has been reported in the literature in a compound heterozygous individual affected with insulin resistance (Ogawa_2009). These report(s) do not provide unequivocal conclusions about association of the variant with Hyperinsulinemic Hypoglycemia Familial 5. To our knowledge, no experimental evidence demonstrating an impact on protein function has been reported. The following publication have been ascertained in the context of this evaluation (PMID: 19135752). ClinVar contains an entry for this variant (Variation ID: 631539). Based on the evidence outlined above, the variant was classified as uncertain significance.

Labcorp Genetics (formerly Invitae), Labcorp
Classification: Likely benign. Last evaluated: 2025-01-10. Review status: criteria provided, single submitter. Criteria: Invitae Variant Classification Sherloc (09022015). Collection method: clinical testing. Allele origin: germline.

Fulgent Genetics
Classification: Uncertain significance for Leprechaunism syndrome; Rabson-Mendenhall syndrome; Hyperinsulinism due to INSR deficiency; Insulin-resistant diabetes mellitus AND acanthosis nigricans. Last evaluated: 2022-03-05. Review status: criteria provided, single submitter. Criteria: ACMG Guidelines, 2015. Collection method: clinical testing. Allele origin: unknown.

Illumina Laboratory Services, Illumina
Classification: Uncertain significance for Leprechaunism syndrome. Last evaluated: 2017-05-02. Review status: criteria provided, single submitter. Criteria: ICSL Variant Classification Criteria 13 December 2019. Collection method: clinical testing. Allele origin: germline.

Illumina Laboratory Services, Illumina
Classification: Uncertain significance for Rabson-Mendenhall syndrome. Last evaluated: 2017-05-02. Review status: criteria provided, single submitter. Criteria: ICSL Variant Classification Criteria 13 December 2019. Collection method: clinical testing. Allele origin: germline.

Literature cited by the submitters: PubMed 19135752 (cited by Women's Health and Genetics/Laboratory Corporation of America, LabCorp).